The following is an entry in ClinVar:

Single allele

Genes: CRIM1 (cysteine rich transmembrane BMP regulator 1), FEZ2 (fasciculation and elongation protein zeta 2; minus strand), LOC126806190 (P300/CBP strongly-dependent group 1 enhancer GRCh37_chr2:36788221-36789420; plus strand). Cytogenetic location: 2p22.2.
Variant type: Deletion.
Identifiers: ClinVar variation 4070905 (VCV004070905.1).

ClinVar aggregate classification (germline): Uncertain significance (1 of 4 stars; one submission).

Conditions:
Colobomatous macrophthalmia-microcornea syndrome. Also called: Macrophthalmia, colobomatous, with microcornea. Identifiers: Orphanet 468672, MedGen C1865286, MONDO:0011239, OMIM 602499.

Submission:

Broad Center for Mendelian Genomics, Broad Institute of MIT and Harvard
Classification: Uncertain significance for Colobomatous macrophthalmia-microcornea syndrome. Last evaluated: 2025-06-23. Review status: criteria provided, single submitter. Criteria: ACMG/ClinGen CNV Guidelines, 2019. Collection method: research. Allele origin: unknown. Inheritance: Autosomal dominant inheritance. Affected: yes. Study: GREGoR Consortium.
Comment: Inheritance information is unavailable. The patient phenotype is nonspecific, but is consistent with cases described in the literature and/or published databases with overlapping variants. A variant similar in genomic content to the variant in our study was found to segregate with disease in 10 affected family members from one family in the literature (PMID: 25561690). There is overlap with the 3’ end of the CRIM1 gene including coding sequence. More than two HI predictors suggest that the CRIM1 gene included in this deletion is haploinsufficient. This alteration is then predicted to lead to a truncated or absent protein. While there is some evidence to suggest that heterozygous loss of function of the CRIM1 gene is a disease mechanism in coloboma, microcornea, and gait imbalance, this association is not yet strongly established based on the criteria laid out in Tayoun, 2018 (PMID: 30192042). In summary, while there is some suspicion for a pathogenic role, the clinical significance of this variant is uncertain. The ACMG/ClinGen evidence codes and points used in this curation are as follows: 1: 0 points, 2: 0.15 points, 3: 0 points, 4-5: 0.5 points; Total: 0.75 points; Riggs 2020 (PMID: 31690835).

Literature cited by the submitters: PubMed 25561690.